The following is an entry in ClinVar:

ClinVar aggregate classification (germline): Uncertain significance (1 of 4 stars; one submission).

Submission:

Women's Health and Genetics/Laboratory Corporation of America, LabCorp
Classification: Uncertain significance. Last evaluated: 2024-10-07. Review status: criteria provided, single submitter. Criteria: LabCorp Variant Classification Summary - May 2015. Collection method: clinical testing. Allele origin: germline.
Comment: Variant summary: DYNC1H1 c.12025_12028delGTTT (p.Val4009GlnfsX18) results in a premature termination codon, predicted to cause a truncation of the encoded protein or absence of the protein due to nonsense mediated decay, however current evidence is not sufficient to establish loss of function as a mechanism for disease. The variant was absent in 251426 control chromosomes. The available data on variant occurrences in the general population are insufficient to allow any conclusion about variant significance. To our knowledge, no occurrence of c.12025_12028delGTTT in individuals affected with DYNC1H1-Related Disorders and no experimental evidence demonstrating its impact on protein function have been reported. No submitters have cited clinical-significance assessments for this variant to ClinVar. Based on the evidence outlined above, the variant was classified as uncertain significance.

NM_001376.5(DYNC1H1):c.12025_12028del (p.Val4009fs)

Gene: DYNC1H1 (dynein cytoplasmic 1 heavy chain 1; plus strand). Cytogenetic location: 14q32.31.
Variant type: Microsatellite.
Coding change: c.12025_12028del on transcript NM_001376.5 (MANE Select); coding-DNA positions 12025 to 12028, 4 bases deleted (GTTT; older notation c.12025_12028delGTTT).
Protein change: p.Val4009fs; shifts the reading frame from valine 4009.
Molecular consequence: frameshift variant.
Genome position (GRCh38, 1-based): chr14:102,041,657-102,041,660, GTTT deleted; deleting any 4 consecutive bases within chr14:102,041,652-102,041,660 gives the same sequence; the c. name uses the placement nearest the transcript's 3' end. VCF-style (leftmost placement, unchanged base first): chr14-102041651-ATGTT-A. GRCh37 (hg19) VCF-style: chr14-102507988-ATGTT-A.
Other names: c.12025_12028delGTTT (NM_001376.5); short protein forms V4009fs.
Identifiers: ClinVar variation 3384883 (VCV003384883.1).